The following is an entry in ClinVar:

NM_000091.5(COL4A3):c.3446G>T (p.Gly1149Val)

Genes: COL4A3 (collagen type IV alpha 3 chain; plus strand), MFF-DT (MFF divergent transcript; minus strand). Cytogenetic location: 2q36.3.
Variant type: single nucleotide variant.
Coding change: c.3446G>T on transcript NM_000091.5 (MANE Select); coding-DNA position 3446, G replaced by T.
Protein change: p.Gly1149Val; replaces glycine 1149 with valine.
Molecular consequence: missense variant.
Genome position (GRCh38, 1-based): chr2:227,294,991, G>T. VCF-style: chr2-227294991-G-T. GRCh37 (hg19) VCF-style: chr2-228159707-G-T.
Other names: p.(Gly1149Val); short protein forms G1149V.
Identifiers: ClinVar variation 4853863 (VCV004853863.1).

ClinVar aggregate classification (germline): Likely pathogenic (1 of 4 stars; one submission).

Conditions:
Autosomal dominant Alport syndrome (ATS3A). Also called: ALPORT SYNDROME 3A, AUTOSOMAL DOMINANT; Alport syndrome dominant type; Renal failure and sensorineural hearing loss. Identifiers: Orphanet 63, Orphanet 88918, MedGen C5882663, MONDO:0007086, OMIM 104200.
Hematuria, benign familial, 2 (BFH2). Identifiers: MedGen C5830421, MONDO:0958186, OMIM 620320.

Submission:

Centre de Génétique Humaine, Institut de Pathologie Et de Génétique
Classification: Likely pathogenic for Autosomal dominant Alport syndrome; Hematuria, benign familial, 2. Last evaluated: 2026-03-12. Review status: criteria provided, single submitter. Criteria: ACMG Guidelines, 2015. Collection method: clinical testing. Allele origin: paternal, germline. Inheritance: Autosomal dominant inheritance. Affected: yes. Observed: 2 variant alleles, 2 heterozygotes. Clinical features observed: Microscopic hematuria (HP:0002907), Stage 2 chronic kidney disease (HP:0012624). Segregation with disease observed.
Comment: This missense variant involves a highly conserved glycine located in a ‘Gly-X-Y’ motif in collagenous region, which is characteristic of the pathogenic variants identified in the COL4A3 gene (PM1,PP2). This variant is rare: allelic frequency of 0.00012% in gnomAD v4.1.0 database (PM2); In silico analysis supports that this missense variant has a deleterious effect (PP3). Another missense variant affecting the same residue described :c.3446G>A,p.Gly1149Glu décrit comme LP: PMID: 36130833 (Sup data TableS5) (PM5).